The following is an entry in ClinVar:

NM_001370259.2(MEN1):c.1679_1687del (p.Gly560_Lys562del)

Gene: MEN1 (menin 1; minus strand). Cytogenetic location: 11q13.1.
Variant type: Deletion.
Coding change: c.1679_1687del on transcript NM_001370259.2 (MANE Select); coding-DNA positions 1679 to 1687, 9 bases deleted (GCATGAAGG; older notation c.1679_1687delGCATGAAGG).
Protein change: p.Gly560_Lys562del.
Molecular consequence: inframe deletion. On other transcripts: inframe indel (1), non-coding transcript variant (4).
Genome position (GRCh38, 1-based): chr11:64,804,480-64,804,488, CCTTCATGC deleted on the plus strand (GCATGAAGG on the coding strand, the reverse complement: MEN1 is on the minus strand); deleting any 9 consecutive bases within chr11:64,804,480-64,804,495 gives the same sequence; the c. name uses the placement nearest the transcript's 3' end. VCF-style (leftmost placement, unchanged base first): chr11-64804479-TCCTTCATGC-T. GRCh37 (hg19) VCF-style: chr11-64571951-TCCTTCATGC-T.
Other names: c.1679_1687delGCATGAAGG (NM_130799.2); c.1694_1702del, p.Gly565_Lys567del (NM_000244.4, NM_001407145.1, NM_130800.3 and 4 more transcripts); c.1805_1813del, p.Gly602_Lys604del (NM_001370251.2, NM_001407142.1, NM_001407143.1 and 1 more transcripts); c.1679_1687del, p.Gly560_Lys562del (NM_001370260.2, NM_001370261.2, NM_001407146.1 and 2 more transcripts); c.1574_1582del, p.Gly525_Lys527del (NM_001370262.2, NM_001370263.2, NM_001407148.1 and 1 more transcripts); c.1820_1828del, p.Gly607_Lys609del (NM_001407150.1); c.1700_1708del, p.Gly567_Lys569del (NM_001407151.1); c.1514_1522del, p.Gly505_Lys507del (NM_001407152.1).
Identifiers: ClinVar variation 3872256 (VCV003872256.2).

ClinVar aggregate classification (germline): Uncertain significance. Review status: criteria provided, multiple submitters, no conflicts (2 of 4 stars). 2 submissions from 2 submitters: Uncertain significance (2). Last evaluated 2026-01-19.

Conditions:
Multiple endocrine neoplasia, type 1 (MEN1). Also called: Endocrine adenomatosis multiple; MEN 1; MEA I; MEN I; WERMER SYNDROME. Identifiers: Orphanet 652, MedGen C0025267, MeSH D018761, MONDO:0007540, OMIM 131100.
Hereditary cancer-predisposing syndrome. Also called: Neoplastic Syndromes, Hereditary; Tumor predisposition; Hereditary neoplastic syndrome; Hereditary Cancer Syndrome. Identifiers: Orphanet 140162, MedGen C0027672, MeSH D009386, MONDO:0015356.

Submissions (2):

Labcorp Genetics (formerly Invitae), Labcorp
Classification: Uncertain significance for Multiple endocrine neoplasia, type 1. Last evaluated: 2026-01-19. Review status: criteria provided, single submitter. Criteria: Invitae Variant Classification Sherloc (09022015). Collection method: clinical testing. Allele origin: germline.
Comment: This variant, c.1679_1687del, results in the deletion of 3 amino acid(s) of the MEN1 protein (p.Gly560_Lys562del), but otherwise preserves the integrity of the reading frame. This variant is not present in population databases (gnomAD no frequency). This variant has been observed in individual(s) with multiple endocrine neoplasia type 1 (internal data). ClinVar contains an entry for this variant (Variation ID: 3872256). Experimental studies and prediction algorithms are not available or were not evaluated, and the functional significance of this variant is currently unknown. In summary, the available evidence is currently insufficient to determine the role of this variant in disease. Therefore, it has been classified as a Variant of Uncertain Significance.

Ambry Genetics
Classification: Uncertain significance for Hereditary cancer-predisposing syndrome. Last evaluated: 2025-02-28. Review status: criteria provided, single submitter. Criteria: Ambry Variant Classification Scheme 2023. Collection method: clinical testing. Allele origin: germline.
Comment: The c.1679_1687delGCATGAAGG variant (also known as p.G560_K562del) is located in coding exon 9 of the MEN1 gene. This variant results from an in-frame GCATGAAGG deletion at nucleotide positions 1679 to 1687. This results in the in-frame deletion of three amino acids at codons 560 to 562. This amino acid position is highly conserved in available vertebrate species. In addition, this alteration is predicted to be deleterious by in silico analysis (Choi Y et al. PLoS ONE. 2012; 7(10):e46688). Based on the available evidence, the clinical significance of this variant remains unclear.